The following is an entry in ClinVar:

ClinVar aggregate classification (germline): Uncertain significance. Review status: criteria provided, multiple submitters, no conflicts (2 of 4 stars). 3 submissions from 3 submitters: Uncertain significance (3). Last evaluated 2025-08-13.

Conditions:
Immunoskeletal dysplasia with neurodevelopmental abnormalities (ISDNA). Identifiers: MedGen C4479452, MONDO:0044312, OMIM 617425.
Inborn genetic diseases. Identifiers: MedGen C0950123, MeSH D030342.

Allele frequency attached by ClinVar (database versions not stated): gnomAD 0.00014 and 0.00036; gnomAD exomes 0.00014 and 0.00022; ExAC 0.00016; ESP Exome Variant Server 0.00031; TOPMed 0.00041.
gnomAD v4.1: 367 of 1,614,230 alleles (0.023%); highest among the groups gnomAD compares: Non-Finnish European, 0.026%; no homozygotes.

Submissions (3):

Ambry Genetics
Classification: Uncertain significance for Inborn genetic diseases. Last evaluated: 2025-08-13. Review status: criteria provided, single submitter. Criteria: Ambry Variant Classification Scheme 2023. Collection method: clinical testing. Allele origin: germline.

Labcorp Genetics (formerly Invitae), Labcorp
Classification: Uncertain significance. Last evaluated: 2023-11-27. Review status: criteria provided, single submitter. Criteria: Invitae Variant Classification Sherloc (09022015). Collection method: clinical testing. Allele origin: germline.
Comment: This sequence change replaces alanine, which is neutral and non-polar, with serine, which is neutral and polar, at codon 507 of the EXTL3 protein (p.Ala507Ser). This variant is present in population databases (rs200367738, gnomAD 0.02%). This variant has not been reported in the literature in individuals affected with EXTL3-related conditions. ClinVar contains an entry for this variant (Variation ID: 1358908). Advanced modeling of protein sequence and biophysical properties (such as structural, functional, and spatial information, amino acid conservation, physicochemical variation, residue mobility, and thermodynamic stability) performed at Invitae indicates that this missense variant is not expected to disrupt EXTL3 protein function with a negative predictive value of 80%. In summary, the available evidence is currently insufficient to determine the role of this variant in disease. Therefore, it has been classified as a Variant of Uncertain Significance.

Fulgent Genetics
Classification: Uncertain significance for Immunoskeletal dysplasia with neurodevelopmental abnormalities. Last evaluated: 2022-05-23. Review status: criteria provided, single submitter. Criteria: ACMG Guidelines, 2015. Collection method: clinical testing. Allele origin: unknown.

NM_001440.4(EXTL3):c.1519G>T (p.Ala507Ser)

Gene: EXTL3 (exostosin like glycosyltransferase 3; plus strand). Cytogenetic location: 8p21.1.
Variant type: single nucleotide variant.
Coding change: c.1519G>T on transcript NM_001440.4 (MANE Select); coding-DNA position 1519, G replaced by T.
Protein change: p.Ala507Ser; replaces alanine 507 with serine.
Molecular consequence: missense variant.
Genome position (GRCh38, 1-based): chr8:28,717,578, G>T. VCF-style: chr8-28717578-G-T. GRCh37 (hg19) VCF-style: chr8-28575095-G-T.
Other names: c.1519G>T (NM_001440.2); short protein forms A507S.
Identifiers: ClinVar variation 1358908 (VCV001358908.7), dbSNP rs200367738, ClinGen allele CA4696234.
Genomic context (GRCh38, chr8:28,717,578, plus strand): 5'-AAGCCTCGTGTTACCGAGGTTCATTTCCTGCTCAGAAGCCTCTCCGATAGTGACCTCCTG[G>T]CTATGAGGCGGCAAGGCCGCTTTCTCTGGGAGACTTACTTCTCCACTGCTGACAGTATTT-3'
Protein context (NP_001431.1, residues 497-517): LRSLSDSDLL[Ala507Ser]MRRQGRFLWE